The following is an entry in ClinVar:

ClinVar aggregate classification (germline): Uncertain significance. Review status: criteria provided, multiple submitters, no conflicts (2 of 4 stars). 3 submissions from 3 submitters: Uncertain significance (3). Last evaluated 2025-02-08.

Conditions:
Junctional epidermolysis bullosa with pyloric atresia. Also called: EPIDERMOLYSIS BULLOSA, JUNCTIONAL 5B, WITH PYLORIC ATRESIA; Junctional Epidermolysis Bullosa- Pyloric Atresia Syndrome; APLASIA CUTIS CONGENITA WITH GASTROINTESTINAL ATRESIA; CARMI SYNDROME; EB-PA-ACC; ITGB4-Related Epidermolysis Bullosa with Pyloric Atresia. Identifiers: Orphanet 79403, MedGen C5676875, MONDO:0009183, OMIM 226730.
Inborn genetic diseases. Identifiers: MedGen C0950123, MeSH D030342.

Allele frequency attached by ClinVar (database versions not stated): gnomAD 0.00003; 1000 Genomes Project 0.00020; TOPMed 0.00002; 1000 Genomes Project 30x 0.00016; ExAC 0.00002; gnomAD exomes 0.00002.
gnomAD v4.1: 26 of 1,613,104 alleles (0.0016%); highest among the groups gnomAD compares: East Asian, 0.0067%; no homozygotes.

Submissions (3):

Ambry Genetics
Classification: Uncertain significance for Inborn genetic diseases. Last evaluated: 2025-02-08. Review status: criteria provided, single submitter. Criteria: Ambry Variant Classification Scheme 2023. Collection method: clinical testing. Allele origin: germline.

Labcorp Genetics (formerly Invitae), Labcorp
Classification: Uncertain significance. Last evaluated: 2022-06-07. Review status: criteria provided, single submitter. Criteria: Invitae Variant Classification Sherloc (09022015). Collection method: clinical testing. Allele origin: germline.
Comment: This sequence change replaces proline, which is neutral and non-polar, with leucine, which is neutral and non-polar, at codon 1576 of the ITGB4 protein (p.Pro1576Leu). This variant is present in population databases (rs563796869, gnomAD 0.01%). This variant has not been reported in the literature in individuals affected with ITGB4-related conditions. ClinVar contains an entry for this variant (Variation ID: 325204). Algorithms developed to predict the effect of missense changes on protein structure and function are either unavailable or do not agree on the potential impact of this missense change (SIFT: "Not Available"; PolyPhen-2: "Probably Damaging"; Align-GVGD: "Not Available"). In summary, the available evidence is currently insufficient to determine the role of this variant in disease. Therefore, it has been classified as a Variant of Uncertain Significance.

Illumina Laboratory Services, Illumina
Classification: Uncertain significance for Junctional epidermolysis bullosa with pyloric atresia. Last evaluated: 2018-01-13. Review status: criteria provided, single submitter. Criteria: ICSL Variant Classification Criteria 13 December 2019. Collection method: clinical testing. Allele origin: germline.

NM_000213.5(ITGB4):c.4937C>T (p.Pro1646Leu)

Genes: GALK1 (galactokinase 1; minus strand), ITGB4 (integrin subunit beta 4; plus strand). Cytogenetic location: 17q25.1.
Variant type: single nucleotide variant.
Coding change: c.4937C>T on transcript NM_000213.5 (MANE Select); coding-DNA position 4937, C replaced by T.
Protein change: p.Pro1646Leu; replaces proline 1646 with leucine.
Molecular consequence: missense variant. On other transcripts: intron variant (1).
Genome position (GRCh38, 1-based): chr17:75,756,743, C>T. VCF-style: chr17-75756743-C-T. GRCh37 (hg19) VCF-style: chr17-73752824-C-T.
Other names: c.4886C>T, p.Pro1629Leu (NM_001005619.2); c.4727C>T, p.Pro1576Leu (NM_001005731.3, NM_001321123.2); c.4577C>T, p.Pro1526Leu (NM_001438834.1); c.*22+1291G>A (NM_001381985.1); short protein forms P1576L, P1646L, P1629L, P1526L.
Identifiers: ClinVar variation 325204 (VCV000325204.7), dbSNP rs563796869, ClinGen allele CA8770377.